The following is an entry in ClinVar:

NM_003072.5(SMARCA4):c.83_94del (p.Leu28_Ser31del)

Gene: SMARCA4 (SWI/SNF related BAF chromatin remodeling complex subunit ATPase 4; plus strand). Cytogenetic location: 19p13.2.
Variant type: Deletion.
Coding change: c.83_94del on transcript NM_003072.5 (MANE Select); coding-DNA positions 83 to 94, 12 bases deleted (TGGGCCCTAGCC).
Protein change: p.Leu28_Ser31del.
Molecular consequence: inframe deletion. On other transcripts: non-coding transcript variant (1).
Genome position (GRCh38, 1-based): chr19:10,984,234-10,984,245, TGGGCCCTAGCC deleted; deleting any 12 consecutive bases within chr19:10,984,233-10,984,245 gives the same sequence; the c. name uses the placement nearest the transcript's 3' end. VCF-style (leftmost placement, unchanged base first): chr19-10984232-GCTGGGCCCTAGC-G. GRCh37 (hg19) VCF-style: chr19-11094908-GCTGGGCCCTAGC-G.
Other names: c.83_94del, p.Leu28_Ser31del (NM_001128844.3, NM_001128845.2, NM_001128846.2 and 5 more transcripts).
Identifiers: ClinVar variation 1490712 (VCV001490712.6), dbSNP rs2145722640, ClinGen allele CA2573155565.
Genomic context (GRCh38, chr19:10,984,232, plus strand): 5'-CCTGGGCGGAACTCCTCGGCCAGGTCCTTCCCCGGGCCCTGGCCCTTCCCCTGGAGCCAT[GCTGGGCCCTAGC>G]CCGGGTCCCTCGCCGGGCTCCGCCCACAGCATGATGGGGCCCAGCCCAGGGCCGCCCTCA-3'

ClinVar aggregate classification (germline): Uncertain significance (1 of 4 stars; one submission).

Conditions:
Rhabdoid tumor predisposition syndrome 2 (RTPS2). Identifiers: Orphanet 231108, Orphanet 69077, MedGen C2750074, MONDO:0013224, OMIM 613325.

Submission:

Labcorp Genetics (formerly Invitae), Labcorp
Classification: Uncertain significance for Rhabdoid tumor predisposition syndrome 2. Last evaluated: 2021-09-15. Review status: criteria provided, single submitter. Criteria: Invitae Variant Classification Sherloc (09022015). Collection method: clinical testing. Allele origin: germline.
Comment: In summary, the available evidence is currently insufficient to determine the role of this variant in disease. Therefore, it has been classified as a Variant of Uncertain Significance. Experimental studies and prediction algorithms are not available or were not evaluated, and the functional significance of this variant is currently unknown. This variant has not been reported in the literature in individuals affected with SMARCA4-related conditions. This variant is not present in population databases (ExAC no frequency). This variant, c.83_94del, results in the deletion of 4 amino acid(s) of the SMARCA4 protein (p.Leu28_Ser31del), but otherwise preserves the integrity of the reading frame.